The following is an entry in ClinVar:

ClinVar aggregate classification (germline): Uncertain significance (1 of 4 stars; one submission).

Conditions:
Charcot-Marie-Tooth disease type 4. Also called: Charcot-Marie-Tooth, Type 4; Charcot-Marie-Tooth disease, type IV. Identifiers: Orphanet 64749, MedGen C4082197, MONDO:0018995.

gnomAD v4.1: 33 of 1,614,058 alleles (0.002%); highest among the groups gnomAD compares: Non-Finnish European, 0.0026%; no homozygotes.

Submission:

Labcorp Genetics (formerly Invitae), Labcorp
Classification: Uncertain significance for Charcot-Marie-Tooth disease type 4. Last evaluated: 2026-01-06. Review status: criteria provided, single submitter. Criteria: Invitae Variant Classification Sherloc (09022015). Collection method: clinical testing. Allele origin: germline.
Comment: This sequence change replaces threonine, which is neutral and polar, with isoleucine, which is neutral and non-polar, at codon 1255 of the SBF2 protein (p.Thr1255Ile). This variant is present in population databases (rs375141782, gnomAD 0.002%). This variant has not been reported in the literature in individuals affected with SBF2-related conditions. Invitae Evidence Modeling of protein sequence and biophysical properties (such as structural, functional, and spatial information, amino acid conservation, physicochemical variation, residue mobility, and thermodynamic stability) indicates that this missense variant is not expected to disrupt SBF2 protein function with a negative predictive value of 80%. In summary, the available evidence is currently insufficient to determine the role of this variant in disease. Therefore, it has been classified as a Variant of Uncertain Significance.

NM_030962.4(SBF2):c.3764C>T (p.Thr1255Ile)

Gene: SBF2 (SET binding factor 2; minus strand). Cytogenetic location: 11p15.4.
Variant type: single nucleotide variant.
Coding change: c.3764C>T on transcript NM_030962.4 (MANE Select); coding-DNA position 3764, C replaced by T.
Protein change: p.Thr1255Ile; replaces threonine 1255 with isoleucine.
Molecular consequence: missense variant. On other transcripts: intron variant (1).
Genome position (GRCh38, 1-based): chr11:9,829,385, G>A on the plus strand (C>T on the coding strand, the complement: SBF2 is on the minus strand). VCF-style: chr11-9829385-G-A. GRCh37 (hg19) VCF-style: chr11-9850932-G-A.
Other names: c.3764C>T, p.Thr1255Ile (NM_001386339.1); c.3635C>T, p.Thr1212Ile (NM_001386342.1); c.3800C>T, p.Thr1267Ile (NM_001424318.1, NM_001425070.1); c.3688+2839C>T (NM_001425069.1); short protein forms T1212I, T1255I, T1267I.
Identifiers: ClinVar variation 4708160 (VCV004708160.1).